The following is an entry in ClinVar:

NM_145020.5(CFAP53):c.698G>A (p.Gly233Glu)

Gene: CFAP53 (cilia and flagella associated protein 53; minus strand). Cytogenetic location: 18q21.1.
Variant type: single nucleotide variant.
Coding change: c.698G>A on transcript NM_145020.5 (MANE Select); coding-DNA position 698, G replaced by A.
Protein change: p.Gly233Glu; replaces glycine 233 with glutamic acid.
Molecular consequence: missense variant.
Genome position (GRCh38, 1-based): chr18:50,251,560, C>T on the plus strand (G>A on the coding strand, the complement: CFAP53 is on the minus strand). VCF-style: chr18-50251560-C-T. GRCh37 (hg19) VCF-style: chr18-47777930-C-T.
Other names: short protein forms G233E.
Identifiers: ClinVar variation 1966222 (VCV001966222.5), dbSNP rs986896529, ClinGen allele CA300034691.

ClinVar aggregate classification (germline): Uncertain significance (1 of 4 stars; one submission).

Conditions:
Heterotaxy, visceral, 6, autosomal (HTX6). Also called: Heterotaxy, visceral, 6, autosomal recessive. Identifiers: Orphanet 450, MedGen C3553676, MONDO:0013887, OMIM 614779.

Allele frequency attached by ClinVar (database versions not stated): gnomAD 0.00001; TOPMed 0.00001.
gnomAD v4.1: 1 of 1,614,088 alleles (0.000062%); highest among the groups gnomAD compares: East Asian, 0.0022%; no homozygotes.

Submission:

Labcorp Genetics (formerly Invitae), Labcorp
Classification: Uncertain significance for Heterotaxy, visceral, 6, autosomal. Last evaluated: 2025-10-22. Review status: criteria provided, single submitter. Criteria: Invitae Variant Classification Sherloc (09022015). Collection method: clinical testing. Allele origin: germline.
Comment: This sequence change replaces glycine, which is neutral and non-polar, with glutamic acid, which is acidic and polar, at codon 233 of the CFAP53 protein (p.Gly233Glu). This variant is present in population databases (no rsID available, gnomAD 0.06%). This variant has not been reported in the literature in individuals affected with CFAP53-related conditions. ClinVar contains an entry for this variant (Variation ID: 1966222). Invitae Evidence Modeling of protein sequence and biophysical properties (such as structural, functional, and spatial information, amino acid conservation, physicochemical variation, residue mobility, and thermodynamic stability) indicates that this missense variant is not expected to disrupt CFAP53 protein function with a negative predictive value of 80%. In summary, the available evidence is currently insufficient to determine the role of this variant in disease. Therefore, it has been classified as a Variant of Uncertain Significance.